The following is an entry in ClinVar:

ClinVar aggregate classification (germline): Pathogenic (1 of 4 stars; one submission).

Conditions:
Cerebral cavernous malformation 2. Also called: Familial Cerebral Cavernous Malformation 2. Identifiers: Orphanet 221061, MedGen C1864041, MONDO:0011304, OMIM 603284.

Submission:

Labcorp Genetics (formerly Invitae), Labcorp
Classification: Pathogenic for Cerebral cavernous malformation 2. Last evaluated: 2023-05-15. Review status: criteria provided, single submitter. Criteria: Invitae Variant Classification Sherloc (09022015). Collection method: clinical testing. Allele origin: germline.
Comment: Algorithms developed to predict the effect of sequence changes on RNA splicing suggest that this variant may disrupt the consensus splice site. For these reasons, this variant has been classified as Pathogenic. This variant has not been reported in the literature in individuals affected with CCM2-related conditions. This variant is not present in population databases (gnomAD no frequency). This sequence change creates a premature translational stop signal (p.Asp56Thrfs*4) in the CCM2 gene. It is expected to result in an absent or disrupted protein product. Loss-of-function variants in CCM2 are known to be pathogenic (PMID: 18300272, 24689081).

Literature cited by the submitters: PubMed 18300272; PubMed 24689081.

NM_031443.4(CCM2):c.166del (p.Asp56fs)

Gene: CCM2 (CCM2 scaffold protein; plus strand). Cytogenetic location: 7p13.
Variant type: Deletion.
Coding change: c.166del on transcript NM_031443.4 (MANE Select); coding-DNA position 166, one base deleted (G; older notation c.166delG).
Protein change: p.Asp56fs; shifts the reading frame from aspartic acid 56.
Molecular consequence: frameshift variant. On other transcripts: non-coding transcript variant (1), intron variant (2).
Genome position (GRCh38, 1-based): chr7:45,038,388, G deleted. VCF-style (leftmost placement, unchanged base first): chr7-45038387-AG-A. GRCh37 (hg19) VCF-style: chr7-45077986-AG-A.
Other names: c.229del, p.Asp77fs (NM_001029835.2); c.166del, p.Asp56fs (NM_001167935.2, NM_001363458.2); c.31-25530del (NM_001363459.2, NM_001167934.2); short protein forms D56fs, D77fs.
Identifiers: ClinVar variation 2864552 (VCV002864552.3), dbSNP rs2485985621, ClinGen allele CA2739266415.